The following is an entry in ClinVar:

NM_000440.3(PDE6A):c.*2662A>G

Gene: PDE6A (phosphodiesterase 6A; minus strand). Cytogenetic location: 5q32.
Variant type: single nucleotide variant.
Coding change: c.*2662A>G on transcript NM_000440.3 (MANE Select); 2662 bases downstream of the stop codon, A replaced by G.
Molecular consequence: 3 prime UTR variant.
Genome position (GRCh38, 1-based): chr5:149,858,233, T>C on the plus strand (A>G on the coding strand, the complement: PDE6A is on the minus strand). VCF-style: chr5-149858233-T-C. GRCh37 (hg19) VCF-style: chr5-149237796-T-C.
Identifiers: ClinVar variation 351940 (VCV000351940.5), dbSNP rs150127383, ClinGen allele CA10623566.

ClinVar aggregate classification (germline): Likely benign (1 of 4 stars; one submission).

Conditions:
Retinitis pigmentosa (RP). Identifiers: Orphanet 791, MedGen C0035334, MeSH D012174, MONDO:0019200, OMIM 268000. Inheritance: Autosomal dominant, autosomal recessive and X linked inheritance.

Allele frequency attached by ClinVar (database versions not stated): gnomAD 0.00753 and 0.00793; TOPMed 0.00815; 1000 Genomes Project 0.01118; 1000 Genomes Project 30x 0.01202.

Submission:

Illumina Laboratory Services, Illumina
Classification: Likely benign for Retinitis pigmentosa. Last evaluated: 2018-01-13. Review status: criteria provided, single submitter. Criteria: ICSL Variant Classification Criteria 13 December 2019. Collection method: clinical testing. Allele origin: germline.
Comment: This variant was observed in the ICSL laboratory as part of a predisposition screen in an ostensibly healthy population. It had not been previously curated by ICSL or reported in the Human Gene Mutation Database (HGMD: prior to June 1st, 2018), and was therefore a candidate for classification through an automated scoring system. Utilizing variant allele frequency, disease prevalence and penetrance estimates, and inheritance mode, an automated score was calculated to assess if this variant is too frequent to cause the disease. Based on the score and internal cut-off values, a variant classified as likely benign is not then subjected to further curation. The score for this variant resulted in a classification of likely benign for this disease.